The following is an entry in ClinVar:

ClinVar aggregate classification (germline): Uncertain significance. Review status: criteria provided, multiple submitters, no conflicts (2 of 4 stars). 2 submissions from 2 submitters: Uncertain significance (2). Last evaluated 2025-05-21.

Conditions:
CSF3R-related disorder. Also called: CSF3R-related condition.
Autosomal recessive severe congenital neutropenia due to CSF3R deficiency. Also called: Neutropenia, severe congenital, 7, autosomal recessive. Identifiers: Orphanet 420702, MedGen C4310764, MONDO:0014865, OMIM 617014.

Allele frequency attached by ClinVar (database versions not stated): ExAC 0.00018; ESP Exome Variant Server 0.00023; gnomAD 0.00033 and 0.00037; TOPMed 0.00038.
gnomAD v4.1: 123 of 1,614,084 alleles (0.0076%); highest among the groups gnomAD compares: African/African-American, 0.12%; no homozygotes.

Submissions (2):

PreventionGenetics, part of Exact Sciences
Classification: Uncertain significance for CSF3R-related condition. Last evaluated: 2025-05-21. Review status: criteria provided, single submitter. Criteria: ACMG Guidelines, 2015. Collection method: clinical testing. Allele origin: germline.
Comment: The CSF3R c.1747C>T variant is predicted to result in the amino acid substitution p.Arg583Cys. This variant was reported in an individual with classical Hodgkin lymphoma and congenital neutropenia (Table 4, Weinberg et al. 2019. PubMed ID: 31309983). This variant is reported in 0.13% of alleles in individuals of African descent in gnomAD and is reported as a variant of uncertain significance in ClinVar. Although we suspect that this variant may be benign, at this time, the clinical significance of this variant is uncertain due to the absence of conclusive functional and genetic evidence.

Labcorp Genetics (formerly Invitae), Labcorp
Classification: Uncertain significance for Autosomal recessive severe congenital neutropenia due to CSF3R deficiency. Last evaluated: 2025-03-13. Review status: criteria provided, single submitter. Criteria: Invitae Variant Classification Sherloc (09022015). Collection method: clinical testing. Allele origin: germline.
Comment: This sequence change replaces arginine, which is basic and polar, with cysteine, which is neutral and slightly polar, at codon 583 of the CSF3R protein (p.Arg583Cys). This variant is present in population databases (rs3917997, gnomAD 0.1%). This missense change has been observed in individual(s) with neutropenia and Hodgkin's lymphoma (PMID: 31309983). ClinVar contains an entry for this variant (Variation ID: 651424). Invitae Evidence Modeling of protein sequence and biophysical properties (such as structural, functional, and spatial information, amino acid conservation, physicochemical variation, residue mobility, and thermodynamic stability) indicates that this missense variant is not expected to disrupt CSF3R protein function with a negative predictive value of 80%. In summary, the available evidence is currently insufficient to determine the role of this variant in disease. Therefore, it has been classified as a Variant of Uncertain Significance.

Literature cited by the submitters: PubMed 31309983 (cited by Labcorp Genetics (formerly Invitae), Labcorp).

NM_000760.4(CSF3R):c.1747C>T (p.Arg583Cys)

Gene: CSF3R (colony stimulating factor 3 receptor; minus strand). Cytogenetic location: 1p34.3.
Variant type: single nucleotide variant.
Coding change: c.1747C>T on transcript NM_000760.4 (MANE Select); coding-DNA position 1747, C replaced by T.
Protein change: p.Arg583Cys; replaces arginine 583 with cysteine.
Molecular consequence: missense variant.
Genome position (GRCh38, 1-based): chr1:36,467,939, G>A on the plus strand (C>T on the coding strand, the complement: CSF3R is on the minus strand). VCF-style: chr1-36467939-G-A. GRCh37 (hg19) VCF-style: chr1-36933540-G-A.
Other names: c.1747C>T, p.Arg583Cys (NM_156039.3, NM_172313.3, LRG_144t1); short protein forms R583C.
Identifiers: ClinVar variation 651424 (VCV000651424.11), dbSNP rs3917997, ClinGen allele CA769083.